The following is an entry in ClinVar:

NM_000940.3(PON3):c.94C>G (p.Arg32Gly)

Gene: PON3 (paraoxonase 3; minus strand). Cytogenetic location: 7q21.3.
Variant type: single nucleotide variant.
Coding change: c.94C>G on transcript NM_000940.3 (MANE Select); coding-DNA position 94, C replaced by G.
Protein change: p.Arg32Gly; replaces arginine 32 with glycine.
Molecular consequence: missense variant.
Genome position (GRCh38, 1-based): chr7:95,394,695, G>C on the plus strand (C>G on the coding strand, the complement: PON3 is on the minus strand). VCF-style: chr7-95394695-G-C. GRCh37 (hg19) VCF-style: chr7-95024007-G-C.
Other names: short protein forms R32G.
Identifiers: ClinVar variation 2657690 (VCV002657690.24), dbSNP rs147006695, ClinGen allele CA4350807.

ClinVar aggregate classification (germline): Uncertain significance (1 of 4 stars; one submission).

gnomAD v4.1: 2 of 1,614,056 alleles (0.00012%); highest among the groups gnomAD compares: South Asian, 0.0011%; no homozygotes.

Submission:

CeGaT Center for Human Genetics Tuebingen
Classification: Uncertain significance. Last evaluated: 2023-10-01. Review status: criteria provided, single submitter. Criteria: CeGaT Center For Human Genetics Tuebingen Variant Classification Criteria Version 2. Collection method: clinical testing. Allele origin: germline. Affected: yes. Observed: 1 variant allele.
Comment: PON3: PM2:Supporting, BP4